The following is an entry in ClinVar:

ClinVar aggregate classification (germline): Likely benign. Review status: criteria provided, multiple submitters, no conflicts (2 of 4 stars). 2 submissions from 2 submitters: Likely benign (2). Last evaluated 2025-07-01.

gnomAD v4.1: 21 of 1,591,540 alleles (0.0013%); highest among the groups gnomAD compares: Middle Eastern, 0.017%; 1 homozygote.

Submissions (2):

CeGaT Center for Human Genetics Tuebingen
Classification: Likely benign. Last evaluated: 2025-07-01. Review status: criteria provided, single submitter. Criteria: CeGaT Center For Human Genetics Tuebingen Variant Classification Criteria Version 2. Collection method: clinical testing. Allele origin: germline. Affected: yes. Observed: 1 variant allele.
Comment: MAPK8IP3: BP4, BP7

Blueprint Genetics
Classification: Likely benign. Last evaluated: 2023-11-27. Review status: criteria provided, single submitter. Criteria: ACMG Guidelines, 2015. Collection method: clinical testing. Allele origin: germline.

NM_001318852.2(MAPK8IP3):c.1977C>T (p.Asp659=)

Gene: MAPK8IP3 (mitogen-activated protein kinase 8 interacting protein 3; plus strand). Cytogenetic location: 16p13.3.
Variant type: single nucleotide variant.
Coding change: c.1977C>T on transcript NM_001318852.2 (MANE Select); coding-DNA position 1977, C replaced by T.
Protein change: p.Asp659=; no amino-acid change (aspartic acid 659 retained).
Molecular consequence: synonymous variant.
Genome position (GRCh38, 1-based): chr16:1,763,735, C>T. VCF-style: chr16-1763735-C-T. GRCh37 (hg19) VCF-style: chr16-1813736-C-T.
Other names: c.1974C>T, p.Asp658= (NM_015133.5); c.1956C>T, p.Asp652= (NM_001040439.2).
Identifiers: ClinVar variation 4084103 (VCV004084103.9).
Genomic context (GRCh38, chr16:1,763,735, plus strand): 5'-CCGTCGAGAGCAGAAGCGCGAGCAGTACCGCCAGGTGCGTGAGCACGTGCGTAACGACGA[C>T]GGCCGTCTGCAGGCCTGCGGCTGGAGCCTGCCCGCCAAGTACAAGCAGGTGCGGGCGGGC-3'
Protein context (NP_001305781.1, residues 649-669): RQVREHVRND[Asp659=]GRLQACGWSL